The following is an entry in ClinVar:

ClinVar aggregate classification (germline): Uncertain significance (1 of 4 stars; one submission).

Submission:

Labcorp Genetics (formerly Invitae), Labcorp
Classification: Uncertain significance. Last evaluated: 2023-12-12. Review status: criteria provided, single submitter. Criteria: Invitae Variant Classification Sherloc (09022015). Collection method: clinical testing. Allele origin: germline.
Comment: This sequence change falls in intron 7 of the MBD4 gene. It does not directly change the encoded amino acid sequence of the MBD4 protein. This variant is not present in population databases (gnomAD no frequency). This variant has not been reported in the literature in individuals affected with MBD4-related conditions. Algorithms developed to predict the effect of sequence changes on RNA splicing suggest that this variant may disrupt the consensus splice site. In summary, the available evidence is currently insufficient to determine the role of this variant in disease. Therefore, it has been classified as a Variant of Uncertain Significance.

NM_001276270.2(MBD4):c.1648-10T>C

Gene: MBD4 (methyl-CpG binding domain 4, DNA glycosylase; minus strand). Cytogenetic location: 3q21.3.
Variant type: single nucleotide variant.
Coding change: c.1648-10T>C on transcript NM_001276270.2 (MANE Select); 10 bases into the intron before coding-DNA position 1648, T replaced by C.
Molecular consequence: intron variant.
Genome position (GRCh38, 1-based): chr3:129,431,588, A>G on the plus strand (T>C on the coding strand, the complement: MBD4 is on the minus strand). VCF-style: chr3-129431588-A-G. GRCh37 (hg19) VCF-style: chr3-129150431-A-G.
Other names: c.712-10T>C (NM_001276273.2); c.1613-10T>C (NM_001276272.2); c.1666-10T>C (NM_003925.3).
Identifiers: ClinVar variation 2702360 (VCV002702360.3), dbSNP rs2530691182, ClinGen allele CA2577893905.